The following is an entry in ClinVar:

NM_003998.4(NFKB1):c.558C>A (p.Asp186Glu)

Gene: NFKB1 (nuclear factor kappa B subunit 1; plus strand). Cytogenetic location: 4q24.
Variant type: single nucleotide variant.
Coding change: c.558C>A on transcript NM_003998.4 (MANE Select); coding-DNA position 558, C replaced by A.
Protein change: p.Asp186Glu; replaces aspartic acid 186 with glutamic acid.
Molecular consequence: missense variant.
Genome position (GRCh38, 1-based): chr4:102,577,026, C>A. VCF-style: chr4-102577026-C-A. GRCh37 (hg19) VCF-style: chr4-103498183-C-A.
Other names: c.555C>A, p.Asp185Glu (NM_001165412.2, NM_001319226.2, NM_001382627.1); c.558C>A, p.Asp186Glu (NM_001382625.1, NM_001382626.1); c.516C>A, p.Asp172Glu (NM_001382628.1); short protein forms D185E, D186E, D172E.
Identifiers: ClinVar variation 1990012 (VCV001990012.4), dbSNP rs751158419, ClinGen allele CA3025902.
Genomic context (GRCh38, chr4:102,577,026, plus strand): 5'-TAATCCTGGACTCTTGGTGCACCCTGACCTTGCCTATTTGCAAGCAGAAGGTGGAGGGGA[C>A]CGGCAGCTGGGAGGTAAGCATCATTTTCCTGGCCTTGATCCTCCAAGGGGTCCAGGCTTT-3'
Protein context (NP_003989.2, residues 176-196): LAYLQAEGGG[Asp186Glu]RQLGDREKEL

ClinVar aggregate classification (germline): Uncertain significance (1 of 4 stars; one submission).

Allele frequency attached by ClinVar (database versions not stated): gnomAD 0.00001; TOPMed 0.00001; ExAC 0.00002.
gnomAD v4.1: 8 of 1,610,004 alleles (0.0005%); highest among the groups gnomAD compares: Admixed American, 0.014%; no homozygotes.

Submission:

Labcorp Genetics (formerly Invitae), Labcorp
Classification: Uncertain significance. Last evaluated: 2022-02-20. Review status: criteria provided, single submitter. Criteria: Invitae Variant Classification Sherloc (09022015). Collection method: clinical testing. Allele origin: germline.
Comment: This sequence change replaces aspartic acid, which is acidic and polar, with glutamic acid, which is acidic and polar, at codon 186 of the NFKB1 protein (p.Asp186Glu). This variant is present in population databases (rs751158419, gnomAD 0.01%). This variant has not been reported in the literature in individuals affected with NFKB1-related conditions. Algorithms developed to predict the effect of missense changes on protein structure and function output the following: SIFT: "Deleterious"; PolyPhen-2: "Benign"; Align-GVGD: "Class C0". The glutamic acid amino acid residue is found in multiple mammalian species, which suggests that this missense change does not adversely affect protein function. In summary, the available evidence is currently insufficient to determine the role of this variant in disease. Therefore, it has been classified as a Variant of Uncertain Significance.